The following is an entry in ClinVar:

ClinVar aggregate classification (germline): Conflicting classifications of pathogenicity. Review status: criteria provided, conflicting classifications (1 of 4 stars). 3 submissions from 3 submitters: Uncertain significance (2); Benign (1). Last evaluated 2025-07-21.

Conditions:
Hyperaldosteronism, familial, type IV (HALD4). Also called: FH IV; ALDOSTERONISM, PRIMARY, AND HYPERTENSION. Identifiers: Orphanet 642671, MedGen C4310756, MONDO:0014875, OMIM 617027.
Idiopathic generalized epilepsy. Also called: Generalised epilepsy; EIG. Identifiers: MedGen C0270850, MONDO:0005579, OMIM 600669.
Inborn genetic diseases. Identifiers: MedGen C0950123, MeSH D030342.

Allele frequency attached by ClinVar (database versions not stated): 1000 Genomes Project 0.00020; gnomAD 0.00004 and 0.00005; gnomAD exomes 0.00004 and 0.00002; TOPMed 0.00004; 1000 Genomes Project 30x 0.00016; ExAC 0.00009.

Submissions (3):

Labcorp Genetics (formerly Invitae), Labcorp
Classification: Benign for Idiopathic generalized epilepsy; Hyperaldosteronism, familial, type IV. Last evaluated: 2025-07-21. Review status: criteria provided, single submitter. Criteria: Invitae Variant Classification Sherloc (09022015). Collection method: clinical testing. Allele origin: germline.

GeneDx
Classification: Uncertain significance. Last evaluated: 2025-07-15. Review status: criteria provided, single submitter. Criteria: GeneDx Variant Classification Process June 2021. Collection method: clinical testing. Allele origin: germline. Affected: yes.
Comment: In silico analysis supports that this missense variant has a deleterious effect on protein structure/function; Has not been previously published as pathogenic or benign to our knowledge

Ambry Genetics
Classification: Uncertain significance for Inborn genetic diseases. Last evaluated: 2023-05-24. Review status: criteria provided, single submitter. Criteria: Ambry Variant Classification Scheme 2023. Collection method: clinical testing. Allele origin: germline.

NM_021098.3(CACNA1H):c.1609C>T (p.Arg537Cys)

Gene: CACNA1H (calcium voltage-gated channel subunit alpha1 H; plus strand). Cytogenetic location: 16p13.3.
Variant type: single nucleotide variant.
Coding change: c.1609C>T on transcript NM_021098.3 (MANE Select); coding-DNA position 1609, C replaced by T.
Protein change: p.Arg537Cys; replaces arginine 537 with cysteine.
Molecular consequence: missense variant.
Genome position (GRCh38, 1-based): chr16:1,202,059, C>T. VCF-style: chr16-1202059-C-T. GRCh37 (hg19) VCF-style: chr16-1252059-C-T.
Other names: c.1609C>T, p.Arg537Cys (NM_001005407.2); short protein forms R537C.
Identifiers: ClinVar variation 643217 (VCV000643217.13), dbSNP rs528341556, ClinGen allele CA7799968.